The following is an entry in ClinVar:

ClinVar aggregate classification (germline): Uncertain significance (1 of 4 stars; one submission).

gnomAD v4.1: 2 of 1,611,552 alleles (0.00012%); highest among the groups gnomAD compares: African/African-American, 0.0027%; no homozygotes.

Submission:

Labcorp Genetics (formerly Invitae), Labcorp
Classification: Uncertain significance. Last evaluated: 2024-10-24. Review status: criteria provided, single submitter. Criteria: Invitae Variant Classification Sherloc (09022015). Collection method: clinical testing. Allele origin: germline.
Comment: This sequence change replaces glutamic acid, which is acidic and polar, with lysine, which is basic and polar, at codon 198 of the COL18A1 protein (p.Glu198Lys). This variant is present in population databases (no rsID available, gnomAD 0.01%). This variant has not been reported in the literature in individuals affected with COL18A1-related conditions. Experimental studies and prediction algorithms are not available or were not evaluated, and the functional significance of this variant is currently unknown. In summary, the available evidence is currently insufficient to determine the role of this variant in disease. Therefore, it has been classified as a Variant of Uncertain Significance.

NM_001379500.1(COL18A1):c.592G>A (p.Glu198Lys)

Gene: COL18A1 (collagen type XVIII alpha 1 chain; plus strand). Cytogenetic location: 21q22.3.
Variant type: single nucleotide variant.
Coding change: c.592G>A on transcript NM_001379500.1 (MANE Select); coding-DNA position 592, G replaced by A.
Protein change: p.Glu198Lys; replaces glutamic acid 198 with lysine.
Molecular consequence: missense variant.
Genome position (GRCh38, 1-based): chr21:45,468,727, G>A. VCF-style: chr21-45468727-G-A. GRCh37 (hg19) VCF-style: chr21-46888641-G-A.
Other names: c.1132G>A, p.Glu378Lys (NM_030582.4); c.1837G>A, p.Glu613Lys (NM_130444.3); short protein forms E613K, E198K, E378K.
Identifiers: ClinVar variation 3691020 (VCV003691020.2).